The following is an entry in ClinVar:

NM_001371986.1(UNC80):c.4160G>C (p.Arg1387Thr)

Gene: UNC80 (unc-80 subunit of NALCN channel complex; plus strand). Cytogenetic location: 2q34.
Variant type: single nucleotide variant.
Coding change: c.4160G>C on transcript NM_001371986.1 (MANE Select); coding-DNA position 4160, G replaced by C.
Protein change: p.Arg1387Thr; replaces arginine 1387 with threonine.
Molecular consequence: missense variant.
Genome position (GRCh38, 1-based): chr2:209,888,144, G>C. VCF-style: chr2-209888144-G-C. GRCh37 (hg19) VCF-style: chr2-210752868-G-C.
Other names: c.4166G>C, p.Arg1389Thr (NM_032504.2); c.4151G>C, p.Arg1384Thr (NM_182587.4); short protein forms R1387T, R1384T, R1389T.
Identifiers: ClinVar variation 2095150 (VCV002095150.4), dbSNP rs893593149, ClinGen allele CA65037017.

ClinVar aggregate classification (germline): Uncertain significance (1 of 4 stars; one submission).

Allele frequency attached by ClinVar (database versions not stated): TOPMed below 0.00001.

Submission:

Labcorp Genetics (formerly Invitae), Labcorp
Classification: Uncertain significance. Last evaluated: 2022-07-22. Review status: criteria provided, single submitter. Criteria: Invitae Variant Classification Sherloc (09022015). Collection method: clinical testing. Allele origin: germline.
Comment: In summary, the available evidence is currently insufficient to determine the role of this variant in disease. Therefore, it has been classified as a Variant of Uncertain Significance. Algorithms developed to predict the effect of missense changes on protein structure and function are either unavailable or do not agree on the potential impact of this missense change (SIFT: "Not Available"; PolyPhen-2: "Possibly Damaging"; Align-GVGD: "Not Available"). This variant has not been reported in the literature in individuals affected with UNC80-related conditions. This variant is not present in population databases (gnomAD no frequency). This sequence change replaces arginine, which is basic and polar, with threonine, which is neutral and polar, at codon 1389 of the UNC80 protein (p.Arg1389Thr).